The following is an entry in ClinVar:

NM_001267550.2(TTN):c.71152G>A (p.Val23718Ile)

Genes: TTN (titin; minus strand), TTN-AS1 (TTN antisense RNA 1; plus strand). Cytogenetic location: 2q31.2.
Variant type: single nucleotide variant.
Coding change: c.71152G>A on transcript NM_001267550.2 (MANE Select); coding-DNA position 71152, G replaced by A.
Protein change: p.Val23718Ile; replaces valine 23718 with isoleucine.
Molecular consequence: missense variant.
Genome position (GRCh38, 1-based): chr2:178,574,980, C>T on the plus strand (G>A on the coding strand, the complement: TTN is on the minus strand). VCF-style: chr2-178574980-C-T. GRCh37 (hg19) VCF-style: chr2-179439707-C-T.
Other names: p.V22077I:GTC>ATC; c.66229G>A, p.Val22077Ile (NM_001256850.1); c.43957G>A, p.Val14653Ile (NM_003319.4); c.63448G>A, p.Val21150Ile (NM_133378.4); c.44332G>A, p.Val14778Ile (NM_133432.3); c.44533G>A, p.Val14845Ile (NM_133437.4); short protein forms V22077I, V23718I, V14778I, V14653I, V14845I, V21150I.
Identifiers: ClinVar variation 202831 (VCV000202831.2), dbSNP rs794729489, ClinGen allele CA310421.
Genomic context (GRCh38, chr2:178,574,980, plus strand): 5'-CATCAAATTTGATTGGTCCAGTAGGTGGCCCTGGGATATCATGGACTTGAATGGTGATGA[C>T]ATCACCAACCTCTCCTACAATGTTCCTTGCTGTTAATGGATAGGGCCCACTATCACTTCT-3'
Protein context (NP_001254479.2, residues 23708-23728): ARNIVGEVGD[Val23718Ile]ITIQVHDIPG

ClinVar aggregate classification (germline): Uncertain significance (1 of 4 stars; one submission).

Allele frequency attached by ClinVar (database versions not stated): gnomAD below 0.00001 and 0.00001; TOPMed below 0.00001.
gnomAD v4.1: 2 of 1,613,150 alleles (0.00012%); highest among the groups gnomAD compares: South Asian, 0.0011%; no homozygotes.

Submission:

GeneDx
Classification: Uncertain significance. Last evaluated: 2014-04-14. Review status: criteria provided, single submitter. Criteria: GeneDx Variant Classification (06012015). Collection method: clinical testing. Allele origin: germline. Affected: yes.
Comment: Missense variants in the TTN gene are considered 'unclassified' if they are not previously reported in the literature and do not have >1% frequency in the population to be considered a polymorphism. Research indicates that truncating mutations in the TTN gene are expected to account for approximately 25% of familial and 18% of sporadic idiopathic DCM; however, truncating variants in the TTN gene have been reported in approximately 3% of reported control alleles. There has been little investigation into non-truncating variants. (Herman D et al. Truncations of titin causing dilated cardiomyopathy. N Eng J Med 366:619-628, 2012) The variant is found in DCM-CRDM panel(s).